The following is an entry in ClinVar:

NM_001136139.4(TCF3):c.1733A>G (p.Lys578Arg)

Gene: TCF3 (transcription factor 3; minus strand). Cytogenetic location: 19p13.3.
Variant type: single nucleotide variant.
Coding change: c.1733A>G on transcript NM_001136139.4 (MANE Plus Clinical); coding-DNA position 1733, A replaced by G.
Protein change: p.Lys578Arg; replaces lysine 578 with arginine.
Molecular consequence: missense variant. On other transcripts: intron variant (2).
Genome position (GRCh38, 1-based): chr19:1,612,287, T>C on the plus strand (A>G on the coding strand, the complement: TCF3 is on the minus strand). VCF-style: chr19-1612287-T-C. GRCh37 (hg19) VCF-style: chr19-1612286-T-C.
Other names: c.1733A>G, p.Lys578Arg (NM_001351779.2); c.1820-438A>G (NM_001351778.2); c.1823-438A>G (NM_003200.5); short protein forms K578R.
Identifiers: ClinVar variation 2959543 (VCV002959543.3), dbSNP rs767215840, ClinGen allele CA9049573.
Genomic context (GRCh38, chr19:1,612,287, plus strand): 5'-CCCAGGATGACCTGCACGGCCTGCTGCAGGATGAGCAGCTTGGTCTGCGCTTTGTCCGAC[T>C]TGAGGTGCATCTGGCACATGCGCCCCAGCTCCCGGAAGGCCTCGTTAATATCCCGCACGC-3'
Protein context (NP_001129611.1, residues 568-588): ELGRMCQMHL[Lys578Arg]SDKAQTKLLI

ClinVar aggregate classification (germline): Uncertain significance (1 of 4 stars; one submission).

Allele frequency attached by ClinVar (database versions not stated): TOPMed 0.00001; ExAC 0.00004.
gnomAD v4.1: 18 of 1,613,754 alleles (0.0011%); highest among the groups gnomAD compares: South Asian, 0.019%; no homozygotes.

Submission:

Labcorp Genetics (formerly Invitae), Labcorp
Classification: Uncertain significance. Last evaluated: 2025-11-01. Review status: criteria provided, single submitter. Criteria: Invitae Variant Classification Sherloc (09022015). Collection method: clinical testing. Allele origin: germline.
Comment: The TCF3 gene has multiple clinically relevant transcripts. This variant occurs in alternate transcript NM_001136139.3, and corresponds to NM_003200.4:c.1823-438A>G (Intronic) in the primary transcript. This sequence change replaces lysine, which is basic and polar, with arginine, which is basic and polar, at codon 578 of the TCF3 protein (p.Lys578Arg). This variant is present in population databases (rs767215840, gnomAD 0.02%). This variant has not been reported in the literature in individuals affected with TCF3-related conditions. ClinVar contains an entry for this variant (Variation ID: 2959543). Experimental studies and prediction algorithms are not available or were not evaluated, and the functional significance of this variant is currently unknown. In summary, the available evidence is currently insufficient to determine the role of this variant in disease. Therefore, it has been classified as a Variant of Uncertain Significance.